The following is an entry in ClinVar:

NM_000051.4(ATM):c.3247del (p.His1083fs)

Gene: ATM (ATM serine/threonine kinase; plus strand). Cytogenetic location: 11q22.3.
Variant type: Deletion.
Coding change: c.3247del on transcript NM_000051.4 (MANE Select); coding-DNA position 3247, one base deleted (C; older notation c.3247delC).
Protein change: p.His1083fs; shifts the reading frame from histidine 1083.
Molecular consequence: frameshift variant.
Genome position (GRCh38, 1-based): chr11:108,272,815, C deleted. VCF-style (leftmost placement, unchanged base first): chr11-108272814-TC-T. GRCh37 (hg19) VCF-style: chr11-108143541-TC-T.
Other names: c.3247del, p.His1083fs (NM_001351834.2); short protein forms H1083fs.
Identifiers: ClinVar variation 3629473 (VCV003629473.3), dbSNP rs767099464.

ClinVar aggregate classification (germline): Pathogenic. Review status: criteria provided, multiple submitters, no conflicts (2 of 4 stars). 2 submissions from 2 submitters: Pathogenic (2). Last evaluated 2026-01-14.

Conditions:
Malignant tumor of breast. Also called: Malignant breast neoplasm; Cancer breast. Identifiers: MedGen C0006142, MONDO:0007254. Disease mechanism: loss of function.
Familial cancer of breast. Also called: BREAST CANCER, FAMILIAL; Hereditary breast cancer; hereditary breast carcinoma. Identifiers: Orphanet 227535, MedGen C0346153, MONDO:0016419, OMIM 114480. Disease mechanism: loss of function.
Ataxia-telangiectasia syndrome (AT). Also called: ATAXIA-TELANGIECTASIA, COMPLEMENTATION GROUP A; ATAXIA-TELANGIECTASIA, FRESNO VARIANT; LOUIS-BAR SYNDROME; Cerebello-oculocutaneous telangiectasia; Immunodeficiency with ataxia telangiectasia; Ataxia-telangiectasia, complementation group E. Identifiers: Orphanet 100, MedGen C0004135, MONDO:0008840, OMIM 208900.

Allele frequency attached by ClinVar (database versions not stated): gnomAD 0.00001; gnomAD exomes 0.00001; TOPMed 0.00002.

Submissions (2):

Women's Health and Genetics/Laboratory Corporation of America, LabCorp
Classification: Pathogenic for Malignant tumor of breast. Last evaluated: 2026-01-14. Review status: criteria provided, single submitter. Criteria: LabCorp Variant Classification Summary - May 2015. Collection method: clinical testing. Allele origin: germline.
Comment: Variant summary: ATM c.3247delC (p.His1083ThrfsX26) results in a premature termination codon, predicted to cause absence of the protein due to nonsense mediated decay, which is a commonly known mechanism for disease. The variant was absent in 251230 control chromosomes. c.3247delC has been observed in multiple individuals affected with Breast Cancer (example, . These data indicate that the variant is likely to be associated with disease. To our knowledge, no experimental evidence demonstrating an impact on protein function has been reported. The following publication hasbeen ascertained in the context of this evaluation (PMID: 30385609). ClinVar contains an entry for this variant (Variation ID: 3629473). Based on the evidence outlined above, the variant was classified as pathogenic.

Department of Clinical Genetics, Copenhagen University Hospital, Rigshospitalet
Classification: Pathogenic for Familial cancer of breast; Ataxia-telangiectasia syndrome. Last evaluated: 2025-02-04. Review status: criteria provided, single submitter. Criteria: ACMG Guidelines, 2015. Collection method: clinical testing. Allele origin: germline.
Comment: PVS1, PM3, PM5_SUP, PM2_SUP

Literature cited by the submitters: PubMed 30385609 (cited by Women's Health and Genetics/Laboratory Corporation of America, LabCorp).